The following is an entry in ClinVar:

ClinVar aggregate classification (germline): Likely benign. Review status: criteria provided, single submitter (1 of 4 stars). 2 submissions from 2 submitters: Likely benign (1). 1 of the submissions does not count toward it. Last evaluated 2025-12-19.

Conditions:
RIPK1-related disorder. Also called: RIPK1-related condition.

Allele frequency attached by ClinVar (database versions not stated): gnomAD 0.00003 and 0.00004; TOPMed 0.00005; ExAC 0.00006; gnomAD exomes 0.00007 and 0.00008; ESP Exome Variant Server 0.00008; 1000 Genomes Project 30x 0.00016; 1000 Genomes Project 0.00020.
gnomAD v4.1: 132 of 1,613,744 alleles (0.0082%); highest among the groups gnomAD compares: South Asian, 0.043%; no homozygotes.

Submissions (2):

Labcorp Genetics (formerly Invitae), Labcorp
Classification: Likely benign. Last evaluated: 2025-12-19. Review status: criteria provided, single submitter. Criteria: Invitae Variant Classification Sherloc (09022015). Collection method: clinical testing. Allele origin: germline.

PreventionGenetics, part of Exact Sciences
Classification: Likely benign for RIPK1-related condition. Last evaluated: 2023-09-29. Review status: no assertion criteria provided. Collection method: clinical testing. Allele origin: germline. Not counted in ClinVar's aggregate classification.
Comment: This variant is classified as likely benign based on ACMG/AMP sequence variant interpretation guidelines (Richards et al. 2015 PMID: 25741868, with internal and published modifications).

NM_001354930.2(RIPK1):c.2001C>T (p.Tyr667=)

Gene: RIPK1 (receptor interacting serine/threonine kinase 1; plus strand). Cytogenetic location: 6p25.2.
Variant type: single nucleotide variant.
Coding change: c.2001C>T on transcript NM_001354930.2 (MANE Select); coding-DNA position 2001, C replaced by T.
Protein change: p.Tyr667=; no amino-acid change (tyrosine 667 retained).
Molecular consequence: synonymous variant.
Genome position (GRCh38, 1-based): chr6:3,113,324, C>T. VCF-style: chr6-3113324-C-T. GRCh37 (hg19) VCF-style: chr6-3113558-C-T.
Other names: c.1512C>T, p.Tyr504= (NM_001317061.3, NM_001354932.2, NM_001354933.2 and 1 more transcripts); c.1863C>T, p.Tyr621= (NM_001354931.2); c.2001C>T, p.Tyr667= (NM_003804.6); c.2001C>T (NM_003804.4).
Identifiers: ClinVar variation 1608329 (VCV001608329.10), dbSNP rs373199261, ClinGen allele CA3618546.